The following is an entry in ClinVar:

ClinVar aggregate classification (germline): Benign/Likely benign. Review status: criteria provided, multiple submitters, no conflicts (2 of 4 stars). 4 submissions from 4 submitters: Benign (1); Likely benign (2). 1 of the submissions does not count toward it. Last evaluated 2025-05-07.

Conditions:
Autosomal dominant striatal neurodegeneration type 1. Identifiers: Orphanet 228169, MedGen C4310808, MONDO:0012205, OMIM 609161.
PDE8B-related disorder. Also called: PDE8B-related condition.
Inborn genetic diseases. Identifiers: MedGen C0950123, MeSH D030342.

Allele frequency attached by ClinVar (database versions not stated): gnomAD 0.00006 and 0.00012; TOPMed 0.00015; gnomAD exomes 0.00016; ExAC 0.00018; 1000 Genomes Project 30x 0.00047; 1000 Genomes Project 0.00060.
gnomAD v4.1: 112 of 1,613,896 alleles (0.0069%); highest among the groups gnomAD compares: East Asian, 0.17%; no homozygotes.

Submissions (4):

Ambry Genetics
Classification: Likely benign for Inborn genetic diseases. Last evaluated: 2025-05-07. Review status: criteria provided, single submitter. Criteria: Ambry Variant Classification Scheme 2023. Collection method: clinical testing. Allele origin: germline.

Labcorp Genetics (formerly Invitae), Labcorp
Classification: Likely benign. Last evaluated: 2025-03-25. Review status: criteria provided, single submitter. Criteria: Invitae Variant Classification Sherloc (09022015). Collection method: clinical testing. Allele origin: germline.

Illumina Laboratory Services, Illumina
Classification: Benign for Autosomal dominant striatal neurodegeneration type 1. Last evaluated: 2018-01-13. Review status: criteria provided, single submitter. Criteria: ICSL Variant Classification Criteria 13 December 2019. Collection method: clinical testing. Allele origin: germline.
Comment: This variant was observed in the ICSL laboratory as part of a predisposition screen in an ostensibly healthy population. It had not been previously curated by ICSL or reported in the Human Gene Mutation Database (HGMD: prior to June 1st, 2018), and was therefore a candidate for classification through an automated scoring system. Utilizing variant allele frequency, disease prevalence and penetrance estimates, and inheritance mode, an automated score was calculated to assess if this variant is too frequent to cause the disease. Based on the score and internal cut-off values, a variant classified as benign is not then subjected to further curation. The score for this variant resulted in a classification of benign for this disease.

PreventionGenetics, part of Exact Sciences
Classification: Likely benign for PDE8B-related condition. Last evaluated: 2019-08-30. Review status: no assertion criteria provided. Collection method: clinical testing. Allele origin: germline. Not counted in ClinVar's aggregate classification.
Comment: This variant is classified as likely benign based on ACMG/AMP sequence variant interpretation guidelines (Richards et al. 2015 PMID: 25741868, with internal and published modifications).

NM_003719.5(PDE8B):c.2130G>A (p.Arg710=)

Gene: PDE8B (phosphodiesterase 8B; plus strand). Cytogenetic location: 5q13.3.
Variant type: single nucleotide variant.
Coding change: c.2130G>A on transcript NM_003719.5 (MANE Select); coding-DNA position 2130, G replaced by A.
Protein change: p.Arg710=; no amino-acid change (arginine 710 retained).
Molecular consequence: synonymous variant.
Genome position (GRCh38, 1-based): chr5:77,419,767, G>A. VCF-style: chr5-77419767-G-A. GRCh37 (hg19) VCF-style: chr5-76715592-G-A.
Other names: c.1839G>A, p.Arg613= (NM_001029851.4); c.1965G>A, p.Arg655= (NM_001029852.4); c.2070G>A, p.Arg690= (NM_001029853.4); c.1989G>A, p.Arg663= (NM_001029854.4); c.2127G>A, p.Arg709= (NM_001349748.3, NM_001349751.3); c.2193G>A, p.Arg731= (NM_001349749.3); c.1890G>A, p.Arg630= (NM_001349750.3); c.1824G>A, p.Arg608= (NM_001349752.3); and 12 more.
Identifiers: ClinVar variation 354168 (VCV000354168.12), dbSNP rs186052720, ClinGen allele CA3315427.
Genomic context (GRCh38, chr5:77,419,767, plus strand): 5'-AGAATAGTTATAATTTGAGACACGCTGTGAACAAGCCCCTTTGTCTTGTGGTTATTTTAG[G>A]AACCATTATCGAACGCTGCGCCAGGCTATTATTGACATGGTTTTGGCAACAGAGATGACA-3'
Protein context (NP_003710.1, residues 700-720): TKCNIFKNID[Arg710=]NHYRTLRQAI